The following is an entry in ClinVar:

NM_004958.4(MTOR):c.3025C>T (p.Arg1009Trp)

Gene: MTOR (mechanistic target of rapamycin kinase; minus strand). Cytogenetic location: 1p36.22.
Variant type: single nucleotide variant.
Coding change: c.3025C>T on transcript NM_004958.4 (MANE Select); coding-DNA position 3025, C replaced by T.
Protein change: p.Arg1009Trp; replaces arginine 1009 with tryptophan.
Molecular consequence: missense variant.
Genome position (GRCh38, 1-based): chr1:11,228,673, G>A on the plus strand (C>T on the coding strand, the complement: MTOR is on the minus strand). VCF-style: chr1-11228673-G-A. GRCh37 (hg19) VCF-style: chr1-11288730-G-A.
Other names: c.3025C>T, p.Arg1009Trp (NM_001386500.1); c.1777C>T, p.Arg593Trp (NM_001386501.1); short protein forms R1009W, R593W.
Identifiers: ClinVar variation 2443551 (VCV002443551.3), dbSNP rs758634485, ClinGen allele CA590336.

ClinVar aggregate classification (germline): Uncertain significance (1 of 4 stars; one submission).

Allele frequency attached by ClinVar (database versions not stated): TOPMed below 0.00001; ExAC 0.00003.
gnomAD v4.1: 33 of 1,613,636 alleles (0.002%); highest among the groups gnomAD compares: East Asian, 0.0022%; no homozygotes.

Submission:

GeneDx
Classification: Uncertain significance. Last evaluated: 2023-08-29. Review status: criteria provided, single submitter. Criteria: GeneDx Variant Classification Process June 2021. Collection method: clinical testing. Allele origin: germline. Affected: yes.
Comment: In silico analysis supports that this missense variant has a deleterious effect on protein structure/function; Has not been previously published as pathogenic or benign to our knowledge